The following is an entry in ClinVar:

NM_000435.3(NOTCH3):c.634T>A (p.Cys212Ser)

Gene: NOTCH3 (notch receptor 3; minus strand). Cytogenetic location: 19p13.12.
Variant type: single nucleotide variant.
Coding change: c.634T>A on transcript NM_000435.3 (MANE Select); coding-DNA position 634, T replaced by A.
Protein change: p.Cys212Ser; replaces cysteine 212 with serine.
Molecular consequence: missense variant.
Genome position (GRCh38, 1-based): chr19:15,192,005, A>T on the plus strand (T>A on the coding strand, the complement: NOTCH3 is on the minus strand). VCF-style: chr19-15192005-A-T. GRCh37 (hg19) VCF-style: chr19-15302816-A-T.
Other names: short protein forms C212S.
Identifiers: ClinVar variation 447864 (VCV000447864.2), dbSNP rs1555729455, ClinGen allele CA404533226.

ClinVar aggregate classification (germline): Pathogenic/Likely pathogenic. Review status: criteria provided, multiple submitters, no conflicts (2 of 4 stars). 2 submissions from 2 submitters: Pathogenic (1); Likely pathogenic (1). Last evaluated 2025-02-08.

Allele frequency attached by ClinVar (database versions not stated): gnomAD exomes below 0.00001.
gnomAD v4.1: 1 of 1,613,250 alleles (0.000062%); highest among the groups gnomAD compares: Non-Finnish European, 0.000085%; no homozygotes.

Submissions (2):

Labcorp Genetics (formerly Invitae), Labcorp
Classification: Likely pathogenic. Last evaluated: 2025-02-08. Review status: criteria provided, single submitter. Criteria: Invitae Variant Classification Sherloc (09022015). Collection method: clinical testing. Allele origin: germline.
Comment: This sequence change replaces cysteine, which is neutral and slightly polar, with serine, which is neutral and polar, at codon 212 of the NOTCH3 protein (p.Cys212Ser). This variant is not present in population databases (gnomAD no frequency). This missense change has been observed in individuals with clinical features of cerebral arteriopathy with subcortical infarcts and leukoencephalopathy (CADASIL) (PMID: 11755616; internal data). ClinVar contains an entry for this variant (Variation ID: 447864). Invitae Evidence Modeling of protein sequence and biophysical properties (such as structural, functional, and spatial information, amino acid conservation, physicochemical variation, residue mobility, and thermodynamic stability) indicates that this missense variant is expected to disrupt NOTCH3 protein function with a positive predictive value of 95%. Experimental studies have shown that this missense change does not substantially affect NOTCH3 function (PMID: 10712431, 14714274). In summary, the currently available evidence indicates that the variant is pathogenic, but additional data are needed to prove that conclusively. Therefore, this variant has been classified as Likely Pathogenic.

Athena Diagnostics
Classification: Pathogenic. Last evaluated: 2017-07-27. Review status: criteria provided, single submitter. Criteria: Athena Diagnostics Criteria. Collection method: clinical testing. Allele origin: germline.

Literature cited by the submitters: PubMed 11755616 (cited by Labcorp Genetics (formerly Invitae), Labcorp and Athena Diagnostics); PubMed 10712431 (cited by Labcorp Genetics (formerly Invitae), Labcorp); PubMed 14714274 (cited by Labcorp Genetics (formerly Invitae), Labcorp and Athena Diagnostics); PubMed 21217157 (cited by Athena Diagnostics); PubMed 18273901 (cited by Athena Diagnostics); PubMed 15857853 (cited by Athena Diagnostics); PubMed 10854111 (cited by Athena Diagnostics); PubMed 11102981 (cited by Athena Diagnostics); PubMed 9388399 (cited by Athena Diagnostics).